The following is an entry in ClinVar:

NM_014271.4(IL1RAPL1):c.1735G>C (p.Gly579Arg)

Gene: IL1RAPL1 (interleukin 1 receptor accessory protein like 1; plus strand). Cytogenetic location: Xp21.2.
Variant type: single nucleotide variant.
Coding change: c.1735G>C on transcript NM_014271.4 (MANE Select); coding-DNA position 1735, G replaced by C.
Protein change: p.Gly579Arg; replaces glycine 579 with arginine.
Molecular consequence: missense variant.
Genome position (GRCh38, 1-based): chrX:29,955,464, G>C. VCF-style: chrX-29955464-G-C. GRCh37 (hg19) VCF-style: chrX-29973581-G-C.
Other names: short protein forms G579R.
Identifiers: ClinVar variation 3376079 (VCV003376079.1).

ClinVar aggregate classification (germline): Uncertain significance (1 of 4 stars; one submission).

Submission:

GeneDx
Classification: Uncertain significance. Last evaluated: 2024-05-02. Review status: criteria provided, single submitter. Criteria: GeneDx Variant Classification Process June 2021. Collection method: clinical testing. Allele origin: germline. Affected: yes.
Comment: In silico analysis indicates that this missense variant does not alter protein structure/function; Not observed at significant frequency in large population cohorts (gnomAD); Has not been previously published as pathogenic or benign to our knowledge